The following is an entry in ClinVar:

NM_020778.5(ALPK3):c.4290C>T (p.Tyr1430=)

Gene: ALPK3 (alpha kinase 3; plus strand). Cytogenetic location: 15q25.3.
Variant type: single nucleotide variant.
Coding change: c.4290C>T on transcript NM_020778.5 (MANE Select); coding-DNA position 4290, C replaced by T.
Protein change: p.Tyr1430=; no amino-acid change (tyrosine 1430 retained).
Molecular consequence: synonymous variant.
Genome position (GRCh38, 1-based): chr15:84,862,795, C>T. VCF-style: chr15-84862795-C-T. GRCh37 (hg19) VCF-style: chr15-85406026-C-T.
Identifiers: ClinVar variation 1193162 (VCV001193162.10), dbSNP rs755476608, ClinGen allele CA7709916.

ClinVar aggregate classification (germline): Likely benign. Review status: criteria provided, multiple submitters, no conflicts (2 of 4 stars). 4 submissions from 4 submitters: Likely benign (4). Last evaluated 2026-01-27.

Conditions:
Cardiovascular phenotype. Identifiers: MedGen CN230736.
ALPK3-related disorder. Also called: ALPK3-related condition.

Allele frequency attached by ClinVar (database versions not stated): gnomAD 0.00003.
gnomAD v4.1: 60 of 1,614,004 alleles (0.0037%); highest among the groups gnomAD compares: African/African-American, 0.0067%; no homozygotes.

Submissions (4):

Labcorp Genetics (formerly Invitae), Labcorp
Classification: Likely benign. Last evaluated: 2026-01-27. Review status: criteria provided, single submitter. Criteria: Invitae Variant Classification Sherloc (09022015). Collection method: clinical testing. Allele origin: germline.

PreventionGenetics, part of Exact Sciences
Classification: Likely benign for ALPK3-related condition. Last evaluated: 2025-04-15. Review status: criteria provided, single submitter. Criteria: ACMG Guidelines, 2015. Collection method: clinical testing. Allele origin: germline.
Comment: This variant is classified as likely benign based on ACMG/AMP sequence variant interpretation guidelines (Richards et al. 2015 PMID: 25741868, with internal and published modifications).

Ambry Genetics
Classification: Likely benign for Cardiovascular phenotype. Last evaluated: 2022-06-27. Review status: criteria provided, single submitter. Criteria: Ambry Variant Classification Scheme 2023. Collection method: clinical testing. Allele origin: germline.

GeneDx
Classification: Likely benign. Last evaluated: 2021-04-19. Review status: criteria provided, single submitter. Criteria: GeneDx Variant Classification Process June 2021. Collection method: clinical testing. Allele origin: germline. Affected: yes.